The following is an entry in ClinVar:

ClinVar aggregate classification (germline): Uncertain significance. Review status: criteria provided, multiple submitters, no conflicts (2 of 4 stars). 4 submissions from 4 submitters: Uncertain significance (4). Last evaluated 2024-10-17.

Conditions:
Inborn genetic diseases. Identifiers: MedGen C0950123, MeSH D030342.
Fanconi anemia complementation group P. Also called: SLX4-Related Fanconi Anemia. Identifiers: Orphanet 84, MedGen C3469542, MONDO:0013499, OMIM 613951.
Fanconi anemia (FA). Also called: Fanconi's anemia. Identifiers: Orphanet 84, MedGen C0015625, MeSH D005199, MONDO:0019391.

Allele frequency attached by ClinVar (database versions not stated): ExAC 0.00004; TOPMed 0.00004; gnomAD exomes 0.00005.
gnomAD v4.1: 44 of 1,613,914 alleles (0.0027%); highest among the groups gnomAD compares: Admixed American, 0.015%; no homozygotes.

Submissions (4):

Labcorp Genetics (formerly Invitae), Labcorp
Classification: Uncertain significance for Fanconi anemia. Last evaluated: 2024-10-17. Review status: criteria provided, single submitter. Criteria: Invitae Variant Classification Sherloc (09022015). Collection method: clinical testing. Allele origin: germline.
Comment: This sequence change replaces arginine, which is basic and polar, with cysteine, which is neutral and slightly polar, at codon 1795 of the SLX4 protein (p.Arg1795Cys). The frequency data for this variant in the population databases is considered unreliable, as metrics indicate poor data quality at this position in the gnomAD database. This variant has not been reported in the literature in individuals affected with SLX4-related conditions. ClinVar contains an entry for this variant (Variation ID: 997508). An algorithm developed to predict the effect of missense changes on protein structure and function (PolyPhen-2) suggests that this variant is likely to be disruptive. In summary, the available evidence is currently insufficient to determine the role of this variant in disease. Therefore, it has been classified as a Variant of Uncertain Significance.

Ambry Genetics
Classification: Uncertain significance for Inborn genetic diseases. Last evaluated: 2024-09-09. Review status: criteria provided, single submitter. Criteria: Ambry Variant Classification Scheme 2023. Collection method: clinical testing. Allele origin: germline.

Fulgent Genetics
Classification: Uncertain significance for Fanconi anemia complementation group P. Last evaluated: 2024-06-06. Review status: criteria provided, single submitter. Criteria: ACMG Guidelines, 2015. Collection method: clinical testing. Allele origin: germline.

Baylor Genetics
Classification: Uncertain significance for Fanconi anemia complementation group P. Last evaluated: 2019-08-02. Review status: criteria provided, single submitter. Criteria: ACMG Guidelines, 2015. Collection method: clinical testing. Allele origin: unknown. Affected: yes. Study: CSER-TexasKidsCanSeq.
Comment: This variant was determined to be of uncertain significance according to ACMG Guidelines, 2015 [PMID:25741868].

NM_032444.4(SLX4):c.5383C>T (p.Arg1795Cys)

Gene: SLX4 (SLX4 structure-specific endonuclease subunit; minus strand). Cytogenetic location: 16p13.3.
Variant type: single nucleotide variant.
Coding change: c.5383C>T on transcript NM_032444.4 (MANE Select); coding-DNA position 5383, C replaced by T.
Protein change: p.Arg1795Cys; replaces arginine 1795 with cysteine.
Molecular consequence: missense variant.
Genome position (GRCh38, 1-based): chr16:3,582,464, G>A on the plus strand (C>T on the coding strand, the complement: SLX4 is on the minus strand). VCF-style: chr16-3582464-G-A. GRCh37 (hg19) VCF-style: chr16-3632465-G-A.
Other names: c.5383C>T (NM_032444.2); short protein forms R1795C.
Identifiers: ClinVar variation 997508 (VCV000997508.8), dbSNP rs762619200, ClinGen allele CA7865325.
Genomic context (GRCh38, chr16:3,582,464, plus strand): 5'-TGCGGGTGGCGGCAGTGGTGAAGGTGATACAGTGGGTGTCCAGGAAGTCCAACAGCCTGC[G>A]CGAGGACACACGGAGGCCGTTCTGCCTCAGCTCTGCCTGCAGCTCCCGCAGCTCAAAGGG-3'
Protein context (NP_115820.2, residues 1785-1805): LRQNGLRVSS[Arg1795Cys]RLLDFLDTHC